The following continues an entry in ClinVar:

NM_001114753.3(ENG):c.-9G>A

Gene: ENG. ClinVar aggregate classification (germline): Uncertain significance. Uncertain significance (1).

Submissions 10 to 16 of 16:

Women's Health and Genetics/Laboratory Corporation of America, LabCorp
Classification: Uncertain significance. Last evaluated: 2023-04-14. Review status: criteria provided, single submitter. Criteria: LabCorp Variant Classification Summary - May 2015. Collection method: clinical testing. Allele origin: germline. Not counted in ClinVar's aggregate classification.
Comment: Variant summary: ENG c.-9G>A is located in the untranslated mRNA region upstream of the initiation codon, predicted to introduce a premature start codon. The variant allele was found at a frequency of 0.00052 in 191406 control chromosomes. The observed variant frequency is approximately 12.41 fold of the estimated maximal expected allele frequency for a pathogenic variant in ENG causing Hereditary Hemorrhagic Telangiectasia phenotype (4.2e-05), these frequencies are inconsistent with disease frequencies. c.-9G>A has been reported in the literature in heterozygous and homozygous individuals affected with symptoms of Hereditary Hemorrhagic Telangiectasia (Damjanovich_2011, Gedge_2007, McDonald_2011). Segregation was observed in some families. Functional studies of this variant showed that expression of the mutant protein was reduced approximately 20% compared to the wild type protein (Damjanovich_2011). Five clinical diagnostic laboratories have submitted clinical-significance assessments for this variant to ClinVar after 2014 and classified as VUS (n=3), Likely Pathogenic (n=1) and Pathogenic (n=1). Based on the evidence outlined above, the variant was classified as uncertain significance.

Ambry Genetics
Classification: Uncertain significance for Cardiovascular phenotype. Last evaluated: 2022-07-07. Review status: criteria provided, single submitter. Criteria: Ambry Variant Classification Scheme 2023. Collection method: clinical testing. Allele origin: germline. Not counted in ClinVar's aggregate classification.
Comment: The c.-9G>A alteration is located in the 5' untranslated region (5'UTR) of the ENG gene. This alteration consists of a G to A substitution 9 nucleotides upstream from the first translated codon. Based on insufficient or conflicting evidence, the clinical significance of this alteration remains unclear.

Phosphorus, Inc.
Classification: Likely pathogenic. Last evaluated: 2022-01-14. Review status: criteria provided, single submitter. Criteria: ACMG Guidelines, 2015. Collection method: clinical testing. Allele origin: germline. Inheritance: Autosomal dominant inheritance. Not counted in ClinVar's aggregate classification.
Comment: This substitution variant occurs in the 5'UTR of the ENG gene and it introduces a premature start codon 9bp prior to the existing start codon, maintaining the reading frame but elongating the protein by three additional amino acid residues. This variant has been observed in gnomAD with a total MAF of 0.0549% across multiple subpopulations, but occurring with the highest MAF of 0.0921% in the European population; these frequencies are inconsistent with the disease frequency. This position is not conserved. This variant has been identified in the literature in both families and individuals with hereditary hemorrhagic telangiectasia, both in the heterozygous state and homozygous state (HHT) (PMID: 21158752, 22192717); segregation of the variant within affected families has been inconsistent or incompletely assessed (PMID: 22192717). A single in vitro protein expression study suggested that this variant may be hypomorphic after it demonstrated that this variant causes decreased expression of the protein, to only ~80% of the wild-type, and it was suggested that this may be a mild variant when heterozygous and cause a more classic HHT presentation when homozygous, where expression dropped to ~60% of the wild-type (PMID: 22192717). In the literature, this variant has also been called benign or a polymorphism due to its frequency in a population of individuals with suspected or possible HHT (PMID: 17384219). Considering this variant occurs relatively frequently, despite having been observed in some individuals and families who are affected, the impact of this variant and segregation with disease require further investigations to elucidate pathogenicity; thus this variant is classified as a Variant of Uncertain Significance.

Illumina Laboratory Services, Illumina
Classification: Uncertain significance for Telangiectasia, hereditary hemorrhagic, type 1. Last evaluated: 2018-04-23. Review status: criteria provided, single submitter. Criteria: ICSL Variant Classification Criteria 13 December 2019. Collection method: clinical testing. Allele origin: germline. Not counted in ClinVar's aggregate classification.
Comment: This variant was observed as part of a predisposition screen in an ostensibly healthy population. A literature search was performed for the gene, cDNA change, and amino acid change (where applicable). Publications were found based on this search. However, the evidence from the literature, in combination with allele frequency data from public databases where available, was not sufficient to rule this variant in or out of causing disease. Therefore, this variant is classified as a variant of unknown significance.

PreventionGenetics, part of Exact Sciences
Classification: Likely benign for ENG-related condition. Last evaluated: 2024-01-18. Review status: no assertion criteria provided. Collection method: clinical testing. Allele origin: germline. Not counted in ClinVar's aggregate classification.
Comment: This variant is classified as likely benign based on ACMG/AMP sequence variant interpretation guidelines (Richards et al. 2015 PMID: 25741868, with internal and published modifications).

Clinical Genetics, Academic Medical Center
Classification: Likely benign. Review status: no assertion criteria provided. Collection method: clinical testing. Allele origin: germline. Affected: yes. Study: VKGL Data-share Consensus. Not counted in ClinVar's aggregate classification.

Diagnostic Laboratory, Department of Genetics, University Medical Center Groningen
Classification: Likely benign. Review status: no assertion criteria provided. Collection method: clinical testing. Allele origin: germline. Affected: yes. Study: VKGL Data-share Consensus. Not counted in ClinVar's aggregate classification.

Literature cited by the submitters: PubMed 21158752 (cited by 4 submitters); PubMed 22192717 (cited by 5 submitters); PubMed 32300199 (cited by 3 submitters); PubMed 17384219 (cited by 3 submitters); PubMed 37848456 (cited by Mayo Clinic Laboratories, Mayo Clinic); PubMed 27884767 (cited by Molecular Genetics, Royal Melbourne Hospital and Women's Health and Genetics/Laboratory Corporation of America, LabCorp); PubMed 28231770 (cited by Illumina Laboratory Services, Illumina); PubMed 25674101 (cited by Illumina Laboratory Services, Illumina).